The following is an entry in ClinVar:

NM_000161.3(GCH1):c.268G>A (p.Gly90Arg)

Gene: GCH1 (GTP cyclohydrolase 1; minus strand). Cytogenetic location: 14q22.2.
Variant type: single nucleotide variant.
Coding change: c.268G>A on transcript NM_000161.3 (MANE Select); coding-DNA position 268, G replaced by A.
Protein change: p.Gly90Arg; replaces glycine 90 with arginine.
Molecular consequence: missense variant.
Genome position (GRCh38, 1-based): chr14:54,902,396, C>T on the plus strand (G>A on the coding strand, the complement: GCH1 is on the minus strand). VCF-style: chr14-54902396-C-T. GRCh37 (hg19) VCF-style: chr14-55369114-C-T.
Other names: c.268G>A (NM_000161.2); c.268G>A, p.Gly90Arg (NM_001024024.2, NM_001024070.2, NM_001024071.2 and 1 more transcripts); short protein forms G90R.
Identifiers: ClinVar variation 2943729 (VCV002943729.4), dbSNP rs2504539350, ClinGen allele CA389793728.

ClinVar aggregate classification (germline): Conflicting classifications of pathogenicity. Review status: criteria provided, conflicting classifications (1 of 4 stars). 2 submissions from 2 submitters: Likely pathogenic (1); Uncertain significance (1). Last evaluated 2025-01-17.

Conditions:
GTP cyclohydrolase I deficiency. Identifiers: MedGen C0268467, MONDO:0100184.
Dystonia 5 (DRD). Also called: DYSTONIA, PROGRESSIVE, WITH DIURNAL VARIATION; DYSTONIA-PARKINSONISM WITH DIURNAL FLUCTUATION; GTP Cyclohydrolase 1-Deficient Dopa-Responsive Dystonia; Dystonia, DOPA-responsive, with or without hyperphenylalaninemia; DYT-GCH1. Identifiers: Orphanet 98808, MedGen C1851920, MONDO:0007495, OMIM 128230.

Submissions (2):

GeneDx
Classification: Uncertain significance. Last evaluated: 2025-01-17. Review status: criteria provided, single submitter. Criteria: GeneDx Variant Classification Process June 2021. Collection method: clinical testing. Allele origin: germline. Affected: yes.
Comment: Not observed at significant frequency in large population cohorts (gnomAD); In silico analysis supports that this missense variant has a deleterious effect on protein structure/function; Has not been previously published as pathogenic or benign to our knowledge

Labcorp Genetics (formerly Invitae), Labcorp
Classification: Likely pathogenic for GTP cyclohydrolase I deficiency; Dystonia 5. Last evaluated: 2024-11-03. Review status: criteria provided, single submitter. Criteria: Invitae Variant Classification Sherloc (09022015). Collection method: clinical testing. Allele origin: germline.
Comment: This sequence change replaces glycine, which is neutral and non-polar, with arginine, which is basic and polar, at codon 90 of the GCH1 protein (p.Gly90Arg). This variant is not present in population databases (gnomAD no frequency). This missense change has been observed in individuals with dopa-responsive dystonia (PMID: 29470312). ClinVar contains an entry for this variant (Variation ID: 2943729). Invitae Evidence Modeling of protein sequence and biophysical properties (such as structural, functional, and spatial information, amino acid conservation, physicochemical variation, residue mobility, and thermodynamic stability) indicates that this missense variant is expected to disrupt GCH1 protein function with a positive predictive value of 80%. This variant disrupts the p.Gly90 amino acid residue in GCH1. Other variant(s) that disrupt this residue have been observed in individuals with GCH1-related conditions (PMID: 10076897), which suggests that this may be a clinically significant amino acid residue. In summary, the currently available evidence indicates that the variant is pathogenic, but additional data are needed to prove that conclusively. Therefore, this variant has been classified as Likely Pathogenic.

Literature cited by the submitters: PubMed 29470312 (cited by Labcorp Genetics (formerly Invitae), Labcorp); PubMed 10076897 (cited by Labcorp Genetics (formerly Invitae), Labcorp).